The following is an entry in ClinVar:

NM_000334.4(SCN4A):c.2704G>A (p.Gly902Ser)

Genes: GH-LCR (growth hormone locus control region; plus strand), SCN4A (sodium voltage-gated channel alpha subunit 4; minus strand). Cytogenetic location: 17q23.3.
Variant type: single nucleotide variant.
Coding change: c.2704G>A on transcript NM_000334.4 (MANE Select); coding-DNA position 2704, G replaced by A.
Protein change: p.Gly902Ser; replaces glycine 902 with serine.
Molecular consequence: missense variant.
Genome position (GRCh38, 1-based): chr17:63,951,573, C>T on the plus strand (G>A on the coding strand, the complement: SCN4A is on the minus strand). VCF-style: chr17-63951573-C-T. GRCh37 (hg19) VCF-style: chr17-62028933-C-T.
Other names: short protein forms G902S.
Identifiers: ClinVar variation 543804 (VCV000543804.33), dbSNP rs200517944, ClinGen allele CA8709518.
Genomic context (GRCh38, chr17:63,951,573, plus strand): 5'-TGGTCAGGTAGGGGTTGTTGATGAAGTTAAGGTGGTCCAGCTCGAGGCTGGATGGGGGGC[C>T]GTCAGCCAGGCCCATGTGGTTCAGGATGTGATTGTCCTTCTTCAGGTCCTCCTCGGGCGG-3'
Protein context (NP_000325.4, residues 892-912): HILNHMGLAD[Gly902Ser]PPSSLELDHL

ClinVar aggregate classification (germline): Conflicting classifications of pathogenicity. Review status: criteria provided, conflicting classifications (1 of 4 stars). 14 submissions from 9 submitters: Uncertain significance (9); Benign (4); Likely benign (1). Last evaluated 2026-09-08.

Conditions:
Hyperkalemic periodic paralysis. Also called: Familial hyperkalemic periodic paralysis; Gamstorp disease. Identifiers: Orphanet 682, MedGen C0238357, MONDO:0008224, OMIM 170500, HP:0007215.
Congenital myasthenic syndrome 16. Identifiers: Orphanet 590, MedGen C3280112, MONDO:0013620, OMIM 614198.
Paramyotonia congenita of Von Eulenburg. Also called: Myotonia congenita intermittens; Von Eulenburg paramyotonia congenita; Paramyotonia Congenita; PARALYSIS PERIODICA PARAMYOTONICA; Eulenburg disease. Identifiers: Orphanet 684, MedGen C0221055, MONDO:0008195, OMIM 168300. Disease mechanism: loss of function.
Congenital myopathy 22A, classic (CMYO22A). Identifiers: MedGen C5830453, MONDO:0957247, OMIM 620351.
Congenital myopathy 22B, severe fetal (CMYO22B). Identifiers: MedGen C5830501, MONDO:0957265, OMIM 620369.
Hypokalemic periodic paralysis, type 2 (HOKPP2). Identifiers: Orphanet 681, MedGen C2750061, MONDO:0013234, OMIM 613345.
Potassium-aggravated myotonia. Also called: Myotonia congenita, atypical, acetazolamide-responsive; MYOTONIA CONGENITA, ACETAZOLAMIDE-RESPONSIVE; MYOTONIA CONGENITA, ATYPICAL; SODIUM CHANNEL MUSCLE DISEASE. Identifiers: Orphanet 612, Orphanet 99734, Orphanet 99735, Orphanet 99736, MedGen C2931826, MONDO:0018959, OMIM 608390.
Hypokalemic periodic paralysis, type 1. Also called: Hypokalemic Periodic Paralysis Type 1 (AD); HypoPP. Identifiers: Orphanet 681, MedGen C3714580, MONDO:0042979, OMIM 170400.
Inborn genetic diseases. Identifiers: MedGen C0950123, MeSH D030342.

Allele frequency attached by ClinVar (database versions not stated): ExAC 0.00019; TOPMed 0.00012; gnomAD 0.00020 and 0.00021; gnomAD exomes 0.00015; ESP Exome Variant Server 0.00008.
gnomAD v4.1: 430 of 1,613,952 alleles (0.027%); highest among the groups gnomAD compares: Non-Finnish European, 0.035%; no homozygotes.

Submissions (14):

GeneDx
Classification: Uncertain significance. Last evaluated: 2026-09-08. Review status: criteria provided, single submitter. Criteria: GeneDx Variant Classification Process June 2021. Collection method: clinical testing. Allele origin: germline.
Comment: Has not been previously published as pathogenic or benign to our knowledge; In silico analysis suggests that this missense variant does not alter protein structure/function

Labcorp Genetics (formerly Invitae), Labcorp
Classification: Uncertain significance for Hyperkalemic periodic paralysis. Last evaluated: 2025-09-25. Review status: criteria provided, single submitter. Criteria: Invitae Variant Classification Sherloc (09022015). Collection method: clinical testing. Allele origin: germline.
Comment: This sequence change replaces glycine, which is neutral and non-polar, with serine, which is neutral and polar, at codon 902 of the SCN4A protein (p.Gly902Ser). This variant is present in population databases (rs200517944, gnomAD 0.03%). This variant has not been reported in the literature in individuals affected with SCN4A-related conditions. ClinVar contains an entry for this variant (Variation ID: 543804). Invitae Evidence Modeling of protein sequence and biophysical properties (such as structural, functional, and spatial information, amino acid conservation, physicochemical variation, residue mobility, and thermodynamic stability) indicates that this missense variant is not expected to disrupt SCN4A protein function with a negative predictive value of 95%. In summary, the available evidence is currently insufficient to determine the role of this variant in disease. Therefore, it has been classified as a Variant of Uncertain Significance.

CeGaT Center for Human Genetics Tuebingen
Classification: Uncertain significance. Last evaluated: 2025-09-01. Review status: criteria provided, single submitter. Criteria: CeGaT Center For Human Genetics Tuebingen Variant Classification Criteria Version 2. Collection method: clinical testing. Allele origin: germline. Affected: yes. Observed: 1 variant allele.
Comment: SCN4A: PM2, BP4

Ambry Genetics
Classification: Uncertain significance for Inborn genetic diseases. Last evaluated: 2025-05-01. Review status: criteria provided, single submitter. Criteria: Ambry Variant Classification Scheme 2023. Collection method: clinical testing. Allele origin: germline.

Revvity Omics, Revvity
Classification: Uncertain significance. Last evaluated: 2025-02-27. Review status: criteria provided, single submitter. Criteria: ACMG Guidelines, 2015. Collection method: clinical testing. Allele origin: germline.

Fulgent Genetics
Classification: Uncertain significance for Paramyotonia congenita of Von Eulenburg; Hyperkalemic periodic paralysis; Potassium-aggravated myotonia; Hypokalemic periodic paralysis, type 2; Congenital myasthenic syndrome 16; Congenital myopathy 22A, classic; Congenital myopathy 22B, severe fetal. Last evaluated: 2024-05-31. Review status: criteria provided, single submitter. Criteria: ACMG Guidelines, 2015. Collection method: clinical testing. Allele origin: germline.

Blueprint Genetics
Classification: Uncertain significance. Last evaluated: 2023-12-07. Review status: criteria provided, single submitter. Criteria: ACMG Guidelines, 2015. Collection method: clinical testing. Allele origin: germline.

Athena Diagnostics
Classification: Likely benign. Last evaluated: 2019-04-10. Review status: criteria provided, single submitter. Criteria: Athena Diagnostics Criteria. Collection method: clinical testing. Allele origin: germline.

Fulgent Genetics
Classification: Uncertain significance for Paramyotonia congenita of Von Eulenburg; Hypokalemic periodic paralysis, type 1; Hyperkalemic periodic paralysis; Potassium-aggravated myotonia; Hypokalemic periodic paralysis, type 2; Congenital myasthenic syndrome 16. Last evaluated: 2018-10-31. Review status: criteria provided, single submitter. Criteria: ACMG Guidelines, 2015. Collection method: clinical testing. Allele origin: unknown.

Illumina Laboratory Services, Illumina
Classification: Benign for Potassium-aggravated myotonia. Last evaluated: 2018-01-12. Review status: criteria provided, single submitter. Criteria: ICSL Variant Classification Criteria 13 December 2019. Collection method: clinical testing. Allele origin: germline.
Comment: This variant was observed in the ICSL laboratory as part of a predisposition screen in an ostensibly healthy population. It had not been previously curated by ICSL or reported in the Human Gene Mutation Database (HGMD: prior to June 1st, 2018), and was therefore a candidate for classification through an automated scoring system. Utilizing variant allele frequency, disease prevalence and penetrance estimates, and inheritance mode, an automated score was calculated to assess if this variant is too frequent to cause the disease. Based on the score and internal cut-off values, a variant classified as benign is not then subjected to further curation. The score for this variant resulted in a classification of benign for this disease.

Illumina Laboratory Services, Illumina
Classification: Benign for Hypokalemic periodic paralysis, type 2. Last evaluated: 2018-01-12. Review status: criteria provided, single submitter. Criteria: ICSL Variant Classification Criteria 13 December 2019. Collection method: clinical testing. Allele origin: germline.
Comment: the same text as in the submission from Illumina Laboratory Services, Illumina above.

Illumina Laboratory Services, Illumina
Classification: Uncertain significance for Congenital myasthenic syndrome 16. Last evaluated: 2018-01-12. Review status: criteria provided, single submitter. Criteria: ICSL Variant Classification Criteria 13 December 2019. Collection method: clinical testing. Allele origin: germline.

Illumina Laboratory Services, Illumina
Classification: Benign for Paramyotonia congenita of Von Eulenburg. Last evaluated: 2018-01-12. Review status: criteria provided, single submitter. Criteria: ICSL Variant Classification Criteria 13 December 2019. Collection method: clinical testing. Allele origin: germline.
Comment: the same text as in the submission from Illumina Laboratory Services, Illumina above.

Illumina Laboratory Services, Illumina
Classification: Benign for Hyperkalemic periodic paralysis. Last evaluated: 2018-01-12. Review status: criteria provided, single submitter. Criteria: ICSL Variant Classification Criteria 13 December 2019. Collection method: clinical testing. Allele origin: germline.
Comment: the same text as in the submission from Illumina Laboratory Services, Illumina above.